The following is an entry in ClinVar:

NM_000257.4(MYH7):c.3590C>T (p.Ala1197Val)

Gene: MYH7 (myosin heavy chain 7; minus strand). Cytogenetic location: 14q11.2.
Variant type: single nucleotide variant.
Coding change: c.3590C>T on transcript NM_000257.4 (MANE Select); coding-DNA position 3590, C replaced by T.
Protein change: p.Ala1197Val; replaces alanine 1197 with valine.
Molecular consequence: missense variant.
Genome position (GRCh38, 1-based): chr14:23,419,981, G>A on the plus strand (C>T on the coding strand, the complement: MYH7 is on the minus strand). VCF-style: chr14-23419981-G-A. GRCh37 (hg19) VCF-style: chr14-23889190-G-A.
Other names: c.3590C>T, p.Ala1197Val (NM_001407004.1); short protein forms A1197V.
Identifiers: ClinVar variation 3690674 (VCV003690674.2).

ClinVar aggregate classification (germline): Uncertain significance (1 of 4 stars; one submission).

Conditions:
Hypertrophic cardiomyopathy. Also called: HYPERTROPHIC MYOCARDIOPATHY. Identifiers: Orphanet 217569, MedGen C0007194, MeSH D002312, MONDO:0005045, HP:0001639.

Submission:

Labcorp Genetics (formerly Invitae), Labcorp
Classification: Uncertain significance for Hypertrophic cardiomyopathy. Last evaluated: 2024-04-04. Review status: criteria provided, single submitter. Criteria: Invitae Variant Classification Sherloc (09022015). Collection method: clinical testing. Allele origin: germline.
Comment: This sequence change replaces alanine, which is neutral and non-polar, with valine, which is neutral and non-polar, at codon 1197 of the MYH7 protein (p.Ala1197Val). This variant is not present in population databases (gnomAD no frequency). This variant has not been reported in the literature in individuals affected with MYH7-related conditions. Advanced modeling of protein sequence and biophysical properties (such as structural, functional, and spatial information, amino acid conservation, physicochemical variation, residue mobility, and thermodynamic stability) performed at Invitae indicates that this missense variant is expected to disrupt MYH7 protein function with a positive predictive value of 95%. In summary, the available evidence is currently insufficient to determine the role of this variant in disease. Therefore, it has been classified as a Variant of Uncertain Significance.